The following is an entry in ClinVar:

ClinVar aggregate classification (germline): Conflicting classifications of pathogenicity. Review status: criteria provided, conflicting classifications (1 of 4 stars). 2 submissions from 2 submitters: Uncertain significance (1); Likely benign (1). Last evaluated 2026-07-06.

Conditions:
Hereditary cancer-predisposing syndrome. Also called: Tumor predisposition; Hereditary neoplastic syndrome; Neoplastic Syndromes, Hereditary; Hereditary Cancer Syndrome. Identifiers: Orphanet 140162, MedGen C0027672, MeSH D009386, MONDO:0015356.
Cardiovascular phenotype. Identifiers: MedGen CN230736.
Neurofibromatosis, type 1 (NF1). Also called: NEUROFIBROMATOSIS, TYPE I, SOMATIC; Neurofibromatosis, type I; VON RECKLINGHAUSEN DISEASE; Peripheral type neurofibromatosis. Identifiers: Orphanet 636, MedGen C0027831, MONDO:0018975, OMIM 162200. Disease mechanism: loss of function.

Submissions (2):

Ambry Genetics
Classification: Likely benign for Cardiovascular phenotype; Hereditary cancer-predisposing syndrome. Last evaluated: 2026-07-06. Review status: criteria provided, single submitter. Criteria: Ambry Variant Classification Scheme 2023. Collection method: clinical testing. Allele origin: germline.

Labcorp Genetics (formerly Invitae), Labcorp
Classification: Uncertain significance for Neurofibromatosis, type 1. Last evaluated: 2022-08-27. Review status: criteria provided, single submitter. Criteria: Invitae Variant Classification Sherloc (09022015). Collection method: clinical testing. Allele origin: germline.
Comment: In summary, the available evidence is currently insufficient to determine the role of this variant in disease. Therefore, it has been classified as a Variant of Uncertain Significance. Advanced modeling of protein sequence and biophysical properties (such as structural, functional, and spatial information, amino acid conservation, physicochemical variation, residue mobility, and thermodynamic stability) performed at Invitae indicates that this missense variant is not expected to disrupt NF1 protein function. This variant has not been reported in the literature in individuals affected with NF1-related conditions. This variant is not present in population databases (gnomAD no frequency). This sequence change replaces threonine, which is neutral and polar, with isoleucine, which is neutral and non-polar, at codon 831 of the NF1 protein (p.Thr831Ile).

NM_001042492.3(NF1):c.2492C>T (p.Thr831Ile)

Gene: NF1 (neurofibromin 1; plus strand). Cytogenetic location: 17q11.2.
Variant type: single nucleotide variant.
Coding change: c.2492C>T on transcript NM_001042492.3 (MANE Select); coding-DNA position 2492, C replaced by T.
Protein change: p.Thr831Ile; replaces threonine 831 with isoleucine.
Molecular consequence: missense variant.
Genome position (GRCh38, 1-based): chr17:31,229,107, C>T. VCF-style: chr17-31229107-C-T. GRCh37 (hg19) VCF-style: chr17-29556125-C-T.
Other names: c.2492C>T, p.Thr831Ile (NM_000267.4); short protein forms T831I.
Identifiers: ClinVar variation 1718123 (VCV001718123.7), dbSNP rs2151428972, ClinGen allele CA398984071.